The following is an entry in ClinVar:

ClinVar aggregate classification (germline): Uncertain significance (1 of 4 stars; one submission).

Allele frequency attached by ClinVar (database versions not stated): gnomAD exomes below 0.00001.
gnomAD v4.1: 1 of 1,613,992 alleles (0.000062%); highest among the groups gnomAD compares: Admixed American, 0.0017%; no homozygotes.

Submission:

Labcorp Genetics (formerly Invitae), Labcorp
Classification: Uncertain significance. Last evaluated: 2022-10-17. Review status: criteria provided, single submitter. Criteria: Invitae Variant Classification Sherloc (09022015). Collection method: clinical testing. Allele origin: germline.
Comment: This variant has not been reported in the literature in individuals affected with DDX58-related conditions. Advanced modeling of protein sequence and biophysical properties (such as structural, functional, and spatial information, amino acid conservation, physicochemical variation, residue mobility, and thermodynamic stability) performed at Invitae indicates that this missense variant is not expected to disrupt DDX58 protein function. ClinVar contains an entry for this variant (Variation ID: 1511268). This variant is not present in population databases (gnomAD no frequency). This sequence change replaces aspartic acid, which is acidic and polar, with asparagine, which is neutral and polar, at codon 896 of the DDX58 protein (p.Asp896Asn). In summary, the available evidence is currently insufficient to determine the role of this variant in disease. Therefore, it has been classified as a Variant of Uncertain Significance.

NM_014314.4(RIGI):c.2686G>A (p.Asp896Asn)

Gene: RIGI (RNA sensor RIG-I; minus strand). Cytogenetic location: 9p21.1.
Variant type: single nucleotide variant.
Coding change: c.2686G>A on transcript NM_014314.4 (MANE Select); coding-DNA position 2686, G replaced by A.
Protein change: p.Asp896Asn; replaces aspartic acid 896 with asparagine.
Molecular consequence: missense variant.
Genome position (GRCh38, 1-based): chr9:32,457,214, C>T on the plus strand (G>A on the coding strand, the complement: RIGI is on the minus strand). VCF-style: chr9-32457214-C-T. GRCh37 (hg19) VCF-style: chr9-32457212-C-T.
Other names: c.2680G>A, p.Asp894Asn (NM_001385907.1); c.2515G>A, p.Asp839Asn (NM_001385909.1); c.2245G>A, p.Asp749Asn (NM_001385910.1); c.2077G>A, p.Asp693Asn (NM_001385912.1); c.2671G>A, p.Asp891Asn (NM_001385913.1); c.2242G>A, p.Asp748Asn (NM_001385914.1); short protein forms D896N, D748N, D749N, D839N, D693N, D891N, D894N.
Identifiers: ClinVar variation 1511268 (VCV001511268.8), dbSNP rs2118627961, ClinGen allele CA373141739.